The following is an entry in ClinVar:

NM_001397346.1(TPRX1):c.711A>G (p.Pro237=)

Gene: TPRX1 (tetrapeptide repeat homeobox 1; minus strand). Cytogenetic location: 19q13.33.
Variant type: single nucleotide variant.
Coding change: c.711A>G on transcript NM_001397346.1 (MANE Select); coding-DNA position 711, A replaced by G.
Protein change: p.Pro237=; no amino-acid change (proline 237 retained).
Molecular consequence: synonymous variant.
Genome position (GRCh38, 1-based): chr19:47,802,465, T>C on the plus strand (A>G on the coding strand, the complement: TPRX1 is on the minus strand). VCF-style: chr19-47802465-T-C. GRCh37 (hg19) VCF-style: chr19-48305722-T-C.
Other names: c.837A>G, p.Pro279= (NM_198479.3).
Identifiers: ClinVar variation 3905157 (VCV003905157.10).

ClinVar aggregate classification (germline): Likely benign (1 of 4 stars; one submission).

Submission:

CeGaT Center for Human Genetics Tuebingen
Classification: Likely benign. Last evaluated: 2025-05-01. Review status: criteria provided, single submitter. Criteria: CeGaT Center For Human Genetics Tuebingen Variant Classification Criteria Version 2. Collection method: clinical testing. Allele origin: germline. Affected: yes. Observed: 1 variant allele.
Comment: TPRX1: BP4, BP7